The following is an entry in ClinVar:

ClinVar aggregate classification (germline): Likely pathogenic (1 of 4 stars; one submission).

Submission:

Labcorp Genetics (formerly Invitae), Labcorp
Classification: Likely pathogenic. Last evaluated: 2024-12-02. Review status: criteria provided, single submitter. Criteria: Invitae Variant Classification Sherloc (09022015). Collection method: clinical testing. Allele origin: germline.
Comment: This sequence change affects a donor splice site in intron 30 of the NBAS gene. It is expected to disrupt RNA splicing. Variants that disrupt the donor or acceptor splice site typically lead to a loss of protein function (PMID: 16199547), and loss-of-function variants in NBAS are known to be pathogenic (PMID: 26073778, 26541327, 27789416, 28031453). This variant is not present in population databases (gnomAD no frequency). This variant has not been reported in the literature in individuals affected with NBAS-related conditions. ClinVar contains an entry for this variant (Variation ID: 2756798). Algorithms developed to predict the effect of sequence changes on RNA splicing suggest that this variant may disrupt the consensus splice site. In summary, the currently available evidence indicates that the variant is pathogenic, but additional data are needed to prove that conclusively. Therefore, this variant has been classified as Likely Pathogenic.

Literature cited by the submitters: PubMed 16199547; PubMed 26073778; PubMed 26541327; PubMed 27789416; PubMed 28031453.

NM_015909.4(NBAS):c.3590+1G>A

Gene: NBAS (NBAS subunit of NRZ tethering complex; minus strand). Cytogenetic location: 2p24.3.
Variant type: single nucleotide variant.
Coding change: c.3590+1G>A on transcript NM_015909.4 (MANE Select); the canonical splice donor site of the intron after coding-DNA position 3590, G replaced by A.
Molecular consequence: splice donor variant.
Genome position (GRCh38, 1-based): chr2:15,379,601, C>T on the plus strand (G>A on the coding strand, the complement: NBAS is on the minus strand). VCF-style: chr2-15379601-C-T. GRCh37 (hg19) VCF-style: chr2-15519725-C-T.
Identifiers: ClinVar variation 2756798 (VCV002756798.3), dbSNP rs2528760002, ClinGen allele CA345896639.
Genomic context (GRCh38, chr2:15,379,601, plus strand): 5'-TGCAGTTTGTACATTCTGACTTTCCCCCTCCATCTTAGGGAAGAATATAGAGTTATTCTA[C>T]CTGGCTAGATCCATGCAGCTATCAGTGAGGTTGGTAGAAGAATTGAAGTACTCTCTGCTG-3'